The following is an entry in ClinVar:

ClinVar aggregate classification (germline): Uncertain significance (1 of 4 stars; one submission).

Submission:

Labcorp Genetics (formerly Invitae), Labcorp
Classification: Uncertain significance. Last evaluated: 2025-12-12. Review status: criteria provided, single submitter. Criteria: Invitae Variant Classification Sherloc (09022015). Collection method: clinical testing. Allele origin: germline.
Comment: This variant, c.699_710dup, results in the insertion of 4 amino acid(s) of the TJP2 protein (p.Asp236_Arg239dup), but otherwise preserves the integrity of the reading frame. This variant is present in population databases (no rsID available, gnomAD 0.003%). This variant has not been reported in the literature in individuals affected with TJP2-related conditions. Experimental studies and prediction algorithms are not available or were not evaluated, and the functional significance of this variant is currently unknown. In summary, the available evidence is currently insufficient to determine the role of this variant in disease. Therefore, it has been classified as a Variant of Uncertain Significance.

NM_004817.4(TJP2):c.699GGACCG[4] (p.Arg239_Ser240insAspArgAspArg)

Gene: TJP2 (tight junction protein 2; plus strand). Cytogenetic location: 9q21.11.
Variant type: Microsatellite.
Coding change: c.699GGACCG[4] on transcript NM_004817.4 (MANE Select); four copies in a row of the 6-base unit GGACCG starting at c.699; the reference has two copies in a row; two copies, 12 bases duplicated.
Protein change: p.Arg239_Ser240insAspArgAspArg.
Molecular consequence: inframe insertion.
Genome position (GRCh38, 1-based): chr9:69,221,243-69,221,254, GGACCGGGACCG duplicated; duplicating any 12 consecutive bases within chr9:69,221,240-69,221,254 gives the same sequence; the position shown is the placement nearest the transcript's 3' end. VCF-style (leftmost placement, unchanged base first): chr9-69221239-C-CCCGGGACCGGGA. GRCh37 (hg19) VCF-style: chr9-71836155-C-CCCGGGACCGGGA.
Other names: c.630GGACCG[4], p.Arg216_Ser217insAspArgAspArg (NM_001170414.2, NM_001369870.1, NM_001369871.1); c.711GGACCG[4], p.Arg243_Ser244insAspArgAspArg (NM_001170415.1, NM_001369874.1, NM_001369875.1); c.792GGACCG[4], p.Arg270_Ser271insAspArgAspArg (NM_001170416.2); c.699GGACCG[4], p.Arg239_Ser240insAspArgAspArg (NM_001369872.1, NM_001369873.1, NM_201629.3).
Identifiers: ClinVar variation 4751141 (VCV004751141.1).
Genomic context (GRCh38, chr9:69,221,239, plus strand): 5'-CCCGAGACCGCAGCCGTGGCCGGAGCCTGGAGCGGGGCCTGGACCACGACTTTGGGCCAT[C>CCCGGGACCGGGA]CCGGGACCGGGACCGTGACCGCAGCCGCGGCCGGAGCATTGACCAGGACTACGAGCGAGC-3'